The following is an entry in ClinVar:

ClinVar aggregate classification (germline): Uncertain significance (1 of 4 stars; one submission).

Submission:

Labcorp Genetics (formerly Invitae), Labcorp
Classification: Uncertain significance. Last evaluated: 2025-03-13. Review status: criteria provided, single submitter. Criteria: Invitae Variant Classification Sherloc (09022015). Collection method: clinical testing. Allele origin: germline.
Comment: This variant, c.226_228del, results in the deletion of 1 amino acid(s) of the ABCC2 protein (p.Leu76del), but otherwise preserves the integrity of the reading frame. This variant is present in population databases (rs758343622, gnomAD 0.01%). This variant has been observed in individual(s) with Dubin‐Johnson syndrome (PMID: 31544333). In summary, the available evidence is currently insufficient to determine the role of this variant in disease. Therefore, it has been classified as a Variant of Uncertain Significance.

Literature cited by the submitters: PubMed 31544333.

NM_000392.5(ABCC2):c.223CTT[1] (p.Leu76del)

Gene: ABCC2 (ATP binding cassette subfamily C member 2; plus strand). Cytogenetic location: 10q24.2.
Variant type: Microsatellite.
Coding change: c.223CTT[1] on transcript NM_000392.5 (MANE Select); one copy of the 3-base unit CTT starting at c.223; the reference has two copies in a row; one copy, 3 bases deleted.
Protein change: p.Leu76del; deletes leucine 76.
Molecular consequence: inframe deletion.
Genome position (GRCh38, 1-based): chr10:99,792,252-99,792,254, CTT deleted; deleting any 3 consecutive bases within chr10:99,792,247-99,792,254 gives the same sequence; the position shown is the placement nearest the transcript's 3' end. VCF-style (leftmost placement, unchanged base first): chr10-99792246-TTTC-T. GRCh37 (hg19) VCF-style: chr10-101552003-TTTC-T.
Other names: short protein forms L76del.
Identifiers: ClinVar variation 3606975 (VCV003606975.2).